The following is an entry in ClinVar:

NM_000136.3(FANCC):c.1228C>G (p.Gln410Glu)

Genes: AOPEP (aminopeptidase O (putative); plus strand), FANCC (FA complementation group C; minus strand). Cytogenetic location: 9q22.32.
Variant type: single nucleotide variant.
Coding change: c.1228C>G on transcript NM_000136.3 (MANE Select); coding-DNA position 1228, C replaced by G.
Protein change: p.Gln410Glu; replaces glutamine 410 with glutamic acid.
Molecular consequence: missense variant.
Genome position (GRCh38, 1-based): chr9:95,111,564, G>C on the plus strand (C>G on the coding strand, the complement: FANCC is on the minus strand). VCF-style: chr9-95111564-G-C. GRCh37 (hg19) VCF-style: chr9-97873846-G-C.
Other names: c.1228C>G, p.Gln410Glu (NM_001243743.2, NM_001243744.2); short protein forms Q410E.
Identifiers: ClinVar variation 1754796 (VCV001754796.2), dbSNP rs2134549944, ClinGen allele CA374107423.

ClinVar aggregate classification (germline): Uncertain significance (1 of 4 stars; one submission).

Conditions:
Hereditary cancer-predisposing syndrome. Also called: Neoplastic Syndromes, Hereditary; Tumor predisposition; Hereditary Cancer Syndrome; Hereditary neoplastic syndrome. Identifiers: Orphanet 140162, MedGen C0027672, MeSH D009386, MONDO:0015356.

Submission:

Ambry Genetics
Classification: Uncertain significance for Hereditary cancer-predisposing syndrome. Last evaluated: 2020-02-28. Review status: criteria provided, single submitter. Criteria: Ambry Variant Classification Scheme 2023. Collection method: clinical testing. Allele origin: germline.
Comment: The p.Q410E variant (also known as c.1228C>G), located in coding exon 12 of the FANCC gene, results from a C to G substitution at nucleotide position 1228. The glutamine at codon 410 is replaced by glutamic acid, an amino acid with highly similar properties. This amino acid position is not well conserved in available vertebrate species. In addition, this alteration is predicted to be tolerated by in silico analysis. Since supporting evidence is limited at this time, the clinical significance of this alteration remains unclear.